The following is an entry in ClinVar:

ClinVar aggregate classification (germline): Uncertain significance (1 of 4 stars; one submission).

Submission:

GeneDx
Classification: Uncertain significance. Last evaluated: 2024-07-22. Review status: criteria provided, single submitter. Criteria: GeneDx Variant Classification Process June 2021. Collection method: clinical testing. Allele origin: germline. Affected: yes.
Comment: Not observed at significant frequency in large population cohorts (gnomAD); In silico analysis indicates that this missense variant does not alter protein structure/function; Has not been previously published as pathogenic or benign to our knowledge

NM_031407.7(HUWE1):c.11771C>G (p.Thr3924Ser)

Gene: HUWE1 (HECT, UBA and WWE domain containing E3 ubiquitin protein ligase 1; minus strand). Cytogenetic location: Xp11.22.
Variant type: single nucleotide variant.
Coding change: c.11771C>G on transcript NM_031407.7 (MANE Select); coding-DNA position 11771, C replaced by G.
Protein change: p.Thr3924Ser; replaces threonine 3924 with serine.
Molecular consequence: missense variant.
Genome position (GRCh38, 1-based): chrX:53,538,942, G>C on the plus strand (C>G on the coding strand, the complement: HUWE1 is on the minus strand). VCF-style: chrX-53538942-G-C. GRCh37 (hg19) VCF-style: chrX-53565903-G-C.
Other names: short protein forms T3924S.
Identifiers: ClinVar variation 3600873 (VCV003600873.1).
Genomic context (GRCh38, chrX:53,538,942, plus strand): 5'-ATGTGCATAGATGAGGGCTCCCGGGAGAAGAATGGGTCAAGGGAGGAAGGCGTGGCTGGG[G>C]TTAAGGGGGCAGGGGAGAGTGGAGGAGGCTCGTCCTTGATGTGTGCCAGCTGGCTCTCAC-3'
Protein context (NP_113584.3, residues 3914-3934): EPPPLSPAPL[Thr3924Ser]PATPSSLDPF